The following is an entry in ClinVar:

ClinVar aggregate classification (germline): Likely benign. Review status: criteria provided, multiple submitters, no conflicts (2 of 4 stars). 8 submissions from 8 submitters: Likely benign (7). 1 of the submissions does not count toward it. Last evaluated 2026-06-01.

Conditions:
Cobalamin C disease. Also called: Methylmalonic aciduria and homocystinuria, Vitamin B12-responsive; Vitamin B12 metabolic defect with combined deficiency of methylmalonyl-CoA mutase and homocysteine:methyltetrahydrofolate methyltransferase; Methylmalonic aciduria with homocystinuria cblC type; Cobalamin-C methylmalonic acidemia and homocystinuria; Methylmalonic acidemia and homocystinuria cblC type; methylmalonic aciduria and homocystinuria type cblC. Identifiers: Orphanet 26, Orphanet 79282, MedGen C1848561, MONDO:0010184, OMIM 277400.

Allele frequency attached by ClinVar (database versions not stated): gnomAD exomes 0.00007 and 0.00017; ESP Exome Variant Server 0.00008; gnomAD 0.00008 and 0.00009; TOPMed 0.00008; ExAC 0.00012.

Submissions (8):

CeGaT Center for Human Genetics Tuebingen
Classification: Likely benign. Last evaluated: 2026-06-01. Review status: criteria provided, single submitter. Criteria: CeGaT Center For Human Genetics Tuebingen Variant Classification Criteria Version 2. Collection method: clinical testing. Allele origin: germline. Affected: yes. Observed: 1 variant allele.
Comment: MMACHC: BP4, BP7

Labcorp Genetics (formerly Invitae), Labcorp
Classification: Likely benign for Cobalamin C disease. Last evaluated: 2026-01-09. Review status: criteria provided, single submitter. Criteria: Invitae Variant Classification Sherloc (09022015). Collection method: clinical testing. Allele origin: germline.

Mayo Clinic Laboratories, Mayo Clinic
Classification: Likely benign. Last evaluated: 2025-02-17. Review status: criteria provided, single submitter. Criteria: ACMG Guidelines, 2015. Collection method: clinical testing. Allele origin: germline. Observed: 1 variant allele.
Comment: BS1, BP4, BP7

Blueprint Genetics
Classification: Likely benign. Last evaluated: 2024-07-26. Review status: criteria provided, single submitter. Criteria: ACMG Guidelines, 2015. Collection method: clinical testing. Allele origin: germline.

Genome-Nilou Lab
Classification: Likely benign for Cobalamin C disease. Last evaluated: 2023-04-11. Review status: criteria provided, single submitter. Criteria: ACMG Guidelines, 2015. Collection method: clinical testing. Allele origin: germline. Affected: no.

Fulgent Genetics
Classification: Likely benign for Cobalamin C disease. Last evaluated: 2021-10-29. Review status: criteria provided, single submitter. Criteria: ACMG Guidelines, 2015. Collection method: clinical testing. Allele origin: unknown.

GeneDx
Classification: Likely benign. Last evaluated: 2016-08-03. Review status: criteria provided, single submitter. Criteria: GeneDx Variant Classification (06012015). Collection method: clinical testing. Allele origin: germline. Affected: yes.
Comment: This variant is considered likely benign or benign based on one or more of the following criteria: it is a conservative change, it occurs at a poorly conserved position in the protein, it is predicted to be benign by multiple in silico algorithms, and/or has population frequency not consistent with disease.

Natera, Inc.
Classification: Likely benign for Methylmalonic aciduria and homocystinuria cblC type. Last evaluated: 2020-11-02. Review status: no assertion criteria provided. Collection method: clinical testing. Allele origin: germline. Not counted in ClinVar's aggregate classification.

NM_015506.3(MMACHC):c.699A>G (p.Leu233=)

Gene: MMACHC (metabolism of cobalamin associated C; plus strand). Cytogenetic location: 1p34.1.
Variant type: single nucleotide variant.
Coding change: c.699A>G on transcript NM_015506.3 (MANE Select); coding-DNA position 699, A replaced by G.
Protein change: p.Leu233=; no amino-acid change (leucine 233 retained).
Molecular consequence: synonymous variant.
Genome position (GRCh38, 1-based): chr1:45,509,065, A>G. VCF-style: chr1-45509065-A-G. GRCh37 (hg19) VCF-style: chr1-45974737-A-G.
Other names: p.Leu233=; c.528A>G, p.Leu176= (NM_001330540.2).
Identifiers: ClinVar variation 382622 (VCV000382622.22), dbSNP rs377439596, ClinGen allele CA827838.
Genomic context (GRCh38, chr1:45,509,065, plus strand): 5'-GCGCTACTCAGAAGAGCAGAAGGCCTACTTCTCCACTCCACCTGCCCAACGATTGGCCCT[A>G]TTGGGCTTGGCTCAGCCCTCAGAGAAGCCTAGTTCTCCCTCCCCGGACCTTCCCTTTACC-3'
Protein context (NP_056321.2, residues 223-243): FSTPPAQRLA[Leu233=]LGLAQPSEKP